The following is an entry in ClinVar:

ClinVar aggregate classification (germline): Uncertain significance (1 of 4 stars; one submission).

Conditions:
Joubert syndrome 21 (JBTS21). Identifiers: MedGen C3810212, MONDO:0014288, OMIM 615636.

Allele frequency attached by ClinVar (database versions not stated): gnomAD exomes below 0.00001; TOPMed below 0.00001.
gnomAD v4.1: 5 of 1,613,980 alleles (0.00031%); highest among the groups gnomAD compares: Middle Eastern, 0.033%; no homozygotes.

Submission:

Labcorp Genetics (formerly Invitae), Labcorp
Classification: Uncertain significance for Joubert syndrome 21. Last evaluated: 2024-10-26. Review status: criteria provided, single submitter. Criteria: Invitae Variant Classification Sherloc (09022015). Collection method: clinical testing. Allele origin: germline.
Comment: This sequence change replaces histidine, which is basic and polar, with tyrosine, which is neutral and polar, at codon 21 of the CSPP1 protein (p.His21Tyr). This variant is present in population databases (no rsID available, gnomAD 0.002%). This variant has not been reported in the literature in individuals affected with CSPP1-related conditions. ClinVar contains an entry for this variant (Variation ID: 1917224). An algorithm developed to predict the effect of missense changes on protein structure and function outputs the following: PolyPhen-2: "Benign". The tyrosine amino acid residue is found in multiple mammalian species, which suggests that this missense change does not adversely affect protein function. In summary, the available evidence is currently insufficient to determine the role of this variant in disease. Therefore, it has been classified as a Variant of Uncertain Significance.

NM_001382391.1(CSPP1):c.-90C>T

Gene: CSPP1 (centrosome and spindle pole associated protein 1; plus strand). Cytogenetic location: 8q13.1.
Variant type: single nucleotide variant.
Coding change: c.-90C>T on transcript NM_001382391.1 (MANE Select); 90 bases upstream of the start codon, C replaced by T.
Molecular consequence: 5 prime UTR variant. On other transcripts: missense variant (3).
Genome position (GRCh38, 1-based): chr8:67,064,459, C>T. VCF-style: chr8-67064459-C-T. GRCh37 (hg19) VCF-style: chr8-67976694-C-T.
Other names: c.-90C>T (NM_001363131.2, NM_001363132.2, NM_001363133.2); c.61C>T, p.His21Tyr (NM_001364869.1, NM_001364870.1, NM_024790.7); short protein forms H21Y.
Identifiers: ClinVar variation 1917224 (VCV001917224.5), dbSNP rs973767249, ClinGen allele CA371208630.